The following is an entry in ClinVar:

ClinVar aggregate classification (germline): Pathogenic (1 of 4 stars; one submission).

Conditions:
Joubert syndrome 21 (JBTS21). Identifiers: MedGen C3810212, MONDO:0014288, OMIM 615636.

Submission:

Labcorp Genetics (formerly Invitae), Labcorp
Classification: Pathogenic for Joubert syndrome 21. Last evaluated: 2024-02-24. Review status: criteria provided, single submitter. Criteria: Invitae Variant Classification Sherloc (09022015). Collection method: clinical testing. Allele origin: germline.
Comment: This sequence change creates a premature translational stop signal (p.Tyr116*) in the CSPP1 gene. It is expected to result in an absent or disrupted protein product. Loss-of-function variants in CSPP1 are known to be pathogenic (PMID: 24360807, 24360808). This variant is present in population databases (no rsID available, gnomAD 0.007%). This variant has not been reported in the literature in individuals affected with CSPP1-related conditions. ClinVar contains an entry for this variant (Variation ID: 1935102). For these reasons, this variant has been classified as Pathogenic.

Literature cited by the submitters: PubMed 24360807; PubMed 24360808.

NM_001382391.1(CSPP1):c.239_240del (p.Asp79_Tyr80insTer)

Gene: CSPP1 (centrosome and spindle pole associated protein 1; plus strand). Cytogenetic location: 8q13.1.
Variant type: Deletion.
Coding change: c.239_240del on transcript NM_001382391.1 (MANE Select); coding-DNA positions 239 to 240, 2 bases deleted (AT; older notation c.239_240delAT).
Protein change: p.Asp79_Tyr80insTer.
Molecular consequence: nonsense. On other transcripts: 5 prime UTR variant (1), frameshift variant (1).
Genome position (GRCh38, 1-based): chr8:67,086,046-67,086,047, AT deleted; deleting any 2 consecutive bases within chr8:67,086,045-67,086,047 gives the same sequence; the c. name uses the placement nearest the transcript's 3' end. VCF-style (leftmost placement, unchanged base first): chr8-67086044-CTA-C. GRCh37 (hg19) VCF-style: chr8-67998279-CTA-C.
Other names: c.-536_-535del (NM_001291339.2); c.239_240del, p.Asp79_Tyr80insTer (NM_001363131.2, NM_001363132.2, NM_001363133.2); c.347_348del, p.Asp115_Tyr116insTer (NM_001364869.1, NM_001364870.1); c.347_348delAT, p.Tyr116Terfs (NM_024790.7).
Identifiers: ClinVar variation 1935102 (VCV001935102.5), dbSNP rs1212599937, ClinGen allele CA582511344.